The following is an entry in ClinVar:

ClinVar aggregate classification (germline): Benign/Likely benign. Review status: criteria provided, multiple submitters, no conflicts (2 of 4 stars). 23 submissions from 22 submitters: Benign (16); Likely benign (4). 3 of the submissions do not count toward it. Last evaluated 2026-02-04.

Conditions:
Fibromuscular dysplasia, multifocal. Identifiers: MedGen C5543412, MONDO:0859151, OMIM 619329.
Ehlers-Danlos syndrome, classic type, 1 (EDSCL1). Also called: EHLERS-DANLOS SYNDROME, GRAVIS TYPE; EHLERS-DANLOS SYNDROME, SEVERE CLASSIC TYPE; Ehlers-Danlos syndrome, type 1; EDS I; Ehlers-Danlos Syndrome, Classic Type, COL5A1-Related. Identifiers: MedGen C0268335, MONDO:0019567, OMIM 130000.
Connective tissue disorder. Also called: Connective tissue disease. Identifiers: MedGen C0009782, MONDO:0003900.
Ehlers-Danlos syndrome (EDS). Identifiers: Orphanet 98249, MedGen C0013720, MONDO:0020066.
Ehlers-Danlos syndrome, classic type (cEDS). Identifiers: Orphanet 287, MedGen C4225429, MONDO:0007522.
Familial thoracic aortic aneurysm and aortic dissection (TAAD). Also called: Thoracic aortic aneurysms and dissections. Identifiers: Orphanet 91387, MedGen C4707243, MONDO:0019625.

Allele frequency attached by ClinVar (database versions not stated): 1000 Genomes Project 0.02356; 1000 Genomes Project 30x 0.02358; TOPMed 0.03011; gnomAD 0.03116 and 0.03150; ESP Exome Variant Server 0.03160; gnomAD exomes 0.03471; ExAC 0.03574.

Submissions (23):

Labcorp Genetics (formerly Invitae), Labcorp
Classification: Benign for Ehlers-Danlos syndrome, classic type, 1. Last evaluated: 2026-02-04. Review status: criteria provided, single submitter. Criteria: Invitae Variant Classification Sherloc (09022015). Collection method: clinical testing. Allele origin: germline.

Women's Health and Genetics/Laboratory Corporation of America, LabCorp
Classification: Likely benign. Last evaluated: 2026-01-14. Review status: criteria provided, single submitter. Criteria: LabCorp Variant Classification Summary - May 2015. Collection method: clinical testing. Allele origin: germline.

ARUP Laboratories, Molecular Genetics and Genomics, ARUP Laboratories
Classification: Benign. Last evaluated: 2025-07-28. Review status: criteria provided, single submitter. Criteria: ARUP Molecular Germline Variant Investigation Process 2024. Collection method: clinical testing. Allele origin: germline.

Molecular Diagnostic Laboratory for Inherited Cardiovascular Disease, Montreal Heart Institute
Classification: Benign. Last evaluated: 2025-04-09. Review status: criteria provided, single submitter. Criteria: ACMG Guidelines, 2015. Collection method: clinical testing. Allele origin: germline. Affected: no.

Blueprint Genetics
Classification: Benign. Last evaluated: 2024-11-27. Review status: criteria provided, single submitter. Criteria: ACMG Guidelines, 2015. Collection method: clinical testing. Allele origin: germline.

Genome Diagnostics Laboratory, The Hospital for Sick Children
Classification: Benign for Ehlers-Danlos syndrome. Last evaluated: 2022-06-17. Review status: criteria provided, single submitter. Criteria: ACMG Guidelines, 2015. Collection method: clinical testing. Allele origin: germline.

Genome-Nilou Lab
Classification: Benign for Ehlers-Danlos syndrome, classic type, 1. Last evaluated: 2022-03-15. Review status: criteria provided, single submitter. Criteria: ACMG Guidelines, 2015. Collection method: clinical testing. Allele origin: germline. Affected: no.

Genome-Nilou Lab
Classification: Benign for Fibromuscular dysplasia, multifocal. Last evaluated: 2022-03-15. Review status: criteria provided, single submitter. Criteria: ACMG Guidelines, 2015. Collection method: clinical testing. Allele origin: germline. Affected: no.

Fulgent Genetics
Classification: Likely benign for Ehlers-Danlos syndrome, classic type, 1; Fibromuscular dysplasia, multifocal. Last evaluated: 2021-10-01. Review status: criteria provided, single submitter. Criteria: ACMG Guidelines, 2015. Collection method: clinical testing. Allele origin: unknown.

Dubai Health Genomic Medicine Center, Dubai Health
Classification: Benign for Ehlers-Danlos syndrome, classic type, 1. Last evaluated: 2020-06-02. Review status: criteria provided, single submitter. Criteria: ACMG Guidelines, 2015. Collection method: clinical testing. Allele origin: germline. Affected: yes.

Mendelics
Classification: Benign for Ehlers-Danlos syndrome, classic type, 1. Last evaluated: 2019-05-28. Review status: criteria provided, single submitter. Criteria: Mendelics Assertion Criteria 2017. Collection method: clinical testing. Allele origin: unknown.

Mayo Clinic Laboratories, Mayo Clinic
Classification: Benign. Last evaluated: 2017-11-10. Review status: criteria provided, single submitter. Criteria: ACMG Guidelines, 2015. Collection method: clinical testing. Allele origin: germline. Observed: 418 variant alleles.

Institute for Genomic Medicine (IGM) Clinical Laboratory, Nationwide Children's Hospital
Classification: Benign. Last evaluated: 2017-09-07. Review status: criteria provided, single submitter. Criteria: ACMG Guidelines, 2015. Collection method: clinical testing. Allele origin: germline.
Comment: BS1, BS2, BP6; This alteration has an allele frequency that is greater than expected for the associated disease, was seen in a healthy adult where full penetrance of the disorder is expected at an early age, and was reported as a benign/likely benign alteration by a reputable source (ClinVar or other correspondence from a clinical testing laboratory).

Center for Human Genetics, Inc
Classification: Likely benign for Connective tissue disorder. Last evaluated: 2016-11-01. Review status: criteria provided, single submitter. Criteria: ACMG Guidelines, 2015. Collection method: clinical testing. Allele origin: germline. Affected: yes.

Laboratory for Molecular Medicine, Mass General Brigham Personalized Medicine
Classification: Benign. Last evaluated: 2016-04-25. Review status: criteria provided, single submitter. Criteria: LMM Criteria. Collection method: clinical testing. Allele origin: germline.
Comment: Variant identified in a genome or exome case(s) and assessed due to predicted null impact of the variant or pathogenic assertions in the literature or databases. Disclaimer: This variant has not undergone full assessment. The following are preliminary notes: Frequency

Ambry Genetics
Classification: Benign for Familial thoracic aortic aneurysm and aortic dissection. Last evaluated: 2015-05-21. Review status: criteria provided, single submitter. Criteria: Ambry Variant Classification Scheme 2023. Collection method: clinical testing. Allele origin: germline.

Eurofins Ntd Llc (ga)
Classification: Benign. Last evaluated: 2014-12-01. Review status: criteria provided, single submitter. Criteria: EGL Classification Definitions 2015. Collection method: clinical testing. Allele origin: germline. Observed: 1 variant allele, 1 heterozygote.

GeneDx
Classification: Benign. Last evaluated: 2012-10-31. Review status: criteria provided, single submitter. Criteria: GeneDx Variant Classification (06012015). Collection method: clinical testing. Allele origin: germline. Affected: yes.
Comment: This variant is considered likely benign or benign based on one or more of the following criteria: it is a conservative change, it occurs at a poorly conserved position in the protein, it is predicted to be benign by multiple in silico algorithms, and/or has population frequency not consistent with disease.

Breakthrough Genomics
Classification: Likely benign. Review status: criteria provided, single submitter. Criteria: ACMG Guidelines, 2015. Collection method: not provided. Allele origin: germline. Inheritance: Autosomal dominant inheritance. Affected: yes.

PreventionGenetics, part of Exact Sciences
Classification: Benign. Review status: criteria provided, single submitter. Criteria: ACMG Guidelines, 2015. Collection method: clinical testing. Allele origin: germline.

GeneReviews
No classification provided. Condition: Ehlers-Danlos syndrome, classic type. Review status: no classification provided. Collection method: literature only. Allele origin: germline. Not counted in ClinVar's aggregate classification.

Genome Diagnostics Laboratory, Amsterdam University Medical Center
Classification: Likely benign. Review status: no assertion criteria provided. Collection method: clinical testing. Allele origin: germline. Affected: yes. Study: VKGL Data-share Consensus. Not counted in ClinVar's aggregate classification.

Genome Diagnostics Laboratory, University Medical Center Utrecht
Classification: Likely benign. Review status: no assertion criteria provided. Collection method: clinical testing. Allele origin: germline. Affected: yes. Study: VKGL Data-share Consensus. Not counted in ClinVar's aggregate classification.

Literature cited by the submitters: PubMed 10602121 (cited by Ambry Genetics and GeneReviews); PubMed 10946364 (cited by Ambry Genetics); PubMed 11992482 (cited by Ambry Genetics and GeneReviews); PubMed 15580559 (cited by Ambry Genetics); PubMed 19370768 (cited by Ambry Genetics); PubMed 20635400 (cited by Ambry Genetics); PubMed 20979576 (cited by Ambry Genetics); PubMed 22696272 (cited by Ambry Genetics).

NM_000093.5(COL5A1):c.1588G>A (p.Gly530Ser)

Gene: COL5A1 (collagen type V alpha 1 chain; plus strand). Cytogenetic location: 9q34.3.
Variant type: single nucleotide variant.
Coding change: c.1588G>A on transcript NM_000093.5 (MANE Select); coding-DNA position 1588, G replaced by A.
Protein change: p.Gly530Ser; replaces glycine 530 with serine.
Molecular consequence: missense variant.
Genome position (GRCh38, 1-based): chr9:134,750,808, G>A. VCF-style: chr9-134750808-G-A. GRCh37 (hg19) VCF-style: chr9-137642654-G-A.
Other names: p.G530S:GGC>AGC; c.1588G>A, p.Gly530Ser (NM_001278074.1); short protein forms G530S.
Identifiers: ClinVar variation 38863 (VCV000038863.57), dbSNP rs61735045, ClinGen allele CA302741.